The following is an entry in ClinVar:

NM_000343.4(SLC5A1):c.1267A>G (p.Met423Val)

Gene: SLC5A1 (solute carrier family 5 member 1; plus strand). Cytogenetic location: 22q12.3.
Variant type: single nucleotide variant.
Coding change: c.1267A>G on transcript NM_000343.4 (MANE Select); coding-DNA position 1267, A replaced by G.
Protein change: p.Met423Val; replaces methionine 423 with valine.
Molecular consequence: missense variant.
Genome position (GRCh38, 1-based): chr22:32,091,749, A>G. VCF-style: chr22-32091749-A-G. GRCh37 (hg19) VCF-style: chr22-32487736-A-G.
Other names: c.886A>G, p.Met296Val (NM_001256314.2); c.1267A>G (NM_000343.3); short protein forms M423V, M296V.
Identifiers: ClinVar variation 1395302 (VCV001395302.6), dbSNP rs773967126, ClinGen allele CA10198198.
Genomic context (GRCh38, chr22:32,091,749, plus strand): 5'-ACCCTCTTCACCATGGACATCTACGCCAAGGTCCGCAAGAGAGCATCTGAGAAAGAGCTC[A>G]TGATTGCCGGAAGGTAAATGCAGCTTCCCCCAAGCCACAAAAGCTTGAATGATCAGAGAG-3'
Protein context (NP_000334.1, residues 413-433): VRKRASEKEL[Met423Val]IAGRLFILVL

ClinVar aggregate classification (germline): Uncertain significance. Review status: criteria provided, multiple submitters, no conflicts (2 of 4 stars). 2 submissions from 2 submitters: Uncertain significance (2). Last evaluated 2024-10-21.

Conditions:
Inborn genetic diseases. Identifiers: MedGen C0950123, MeSH D030342.
Congenital glucose-galactose malabsorption (GGM). Also called: DIARRHEA 16; MONOSACCHARIDE MALABSORPTION. Identifiers: Orphanet 35710, MedGen C0268186, MONDO:0011731, OMIM 606824.

Allele frequency attached by ClinVar (database versions not stated): TOPMed 0.00001; ExAC 0.00002; gnomAD exomes 0.00002.
gnomAD v4.1: 26 of 1,613,952 alleles (0.0016%); highest among the groups gnomAD compares: Non-Finnish European, 0.0019%; no homozygotes.

Submissions (2):

Labcorp Genetics (formerly Invitae), Labcorp
Classification: Uncertain significance for Congenital glucose-galactose malabsorption. Last evaluated: 2024-10-21. Review status: criteria provided, single submitter. Criteria: Invitae Variant Classification Sherloc (09022015). Collection method: clinical testing. Allele origin: germline.
Comment: This sequence change replaces methionine, which is neutral and non-polar, with valine, which is neutral and non-polar, at codon 423 of the SLC5A1 protein (p.Met423Val). This variant is present in population databases (rs773967126, gnomAD 0.004%). This variant has not been reported in the literature in individuals affected with SLC5A1-related conditions. ClinVar contains an entry for this variant (Variation ID: 1395302). Invitae Evidence Modeling of protein sequence and biophysical properties (such as structural, functional, and spatial information, amino acid conservation, physicochemical variation, residue mobility, and thermodynamic stability) has been performed for this missense variant. However, the output from this modeling did not meet the statistical confidence thresholds required to predict the impact of this variant on SLC5A1 protein function. In summary, the available evidence is currently insufficient to determine the role of this variant in disease. Therefore, it has been classified as a Variant of Uncertain Significance.

Ambry Genetics
Classification: Uncertain significance for Inborn genetic diseases. Last evaluated: 2024-02-05. Review status: criteria provided, single submitter. Criteria: Ambry Variant Classification Scheme 2023. Collection method: clinical testing. Allele origin: germline.